The following is an entry in ClinVar:

NM_015100.4(POGZ):c.3001C>T (p.Arg1001Ter)

Gene: POGZ (pogo transposable element derived with ZNF domain; minus strand). Cytogenetic location: 1q21.3.
Variant type: single nucleotide variant.
Coding change: c.3001C>T on transcript NM_015100.4 (MANE Select); coding-DNA position 3001, C replaced by T.
Protein change: p.Arg1001Ter; replaces arginine 1001 with a stop codon.
Molecular consequence: nonsense.
Genome position (GRCh38, 1-based): chr1:151,406,034, G>A on the plus strand (C>T on the coding strand, the complement: POGZ is on the minus strand). VCF-style: chr1-151406034-G-A. GRCh37 (hg19) VCF-style: chr1-151378510-G-A.
Other names: c.2974C>T, p.Arg992Ter (NM_001194937.2); c.2815C>T, p.Arg939Ter (NM_001194938.2); c.2716C>T, p.Arg906Ter (NM_145796.4); c.2842C>T, p.Arg948Ter (NM_207171.2); short protein forms R1001*, R992*, R906*, R939*, R948*.
Identifiers: ClinVar variation 224724 (VCV000224724.13), dbSNP rs869312833, ClinGen allele CA353601.

ClinVar aggregate classification (germline): Pathogenic. Review status: criteria provided, multiple submitters, no conflicts (2 of 4 stars). 6 submissions from 6 submitters: Pathogenic (4). 2 of the submissions do not count toward it. Last evaluated 2025-01-01.

Conditions:
Intellectual disability-microcephaly-strabismus-behavioral abnormalities syndrome. Also called: White-Sutton Syndrome. Identifiers: Orphanet 468678, MedGen C4225351, MONDO:0014606, OMIM 616364.

Submissions (6):

Center of Human Genetics, Hôpital Erasme
Classification: Pathogenic for Intellectual disability-microcephaly-strabismus-behavioral abnormalities syndrome. Last evaluated: 2025-01-01. Review status: criteria provided, single submitter. Criteria: ACMG Guidelines, 2015. Collection method: clinical testing. Allele origin: de novo. Affected: yes.

Genome-Nilou Lab
Classification: Pathogenic for Intellectual disability-microcephaly-strabismus-behavioral abnormalities syndrome. Last evaluated: 2023-04-11. Review status: criteria provided, single submitter. Criteria: ACMG Guidelines, 2015. Collection method: clinical testing. Allele origin: germline. Affected: no.

GeneDx
Classification: Pathogenic. Last evaluated: 2021-12-04. Review status: criteria provided, single submitter. Criteria: GeneDx Variant Classification Process June 2021. Collection method: clinical testing. Allele origin: germline. Affected: yes.
Comment: Nonsense variant in the C-terminus predicted to result in protein truncation, as the last 410 amino acids are lost, and other loss-of-function variants have been reported downstream in the Human Gene Mutation Database (Stenson et al., 2014); Not observed at significant frequency in large population cohorts (Lek et al., 2016); This variant is associated with the following publications: (PMID: 31782611, 32103003, 27103995, 24896178, 31785789)

Institute for Clinical Genetics, University Hospital TU Dresden, University Hospital TU Dresden
Classification: Pathogenic. Last evaluated: 2021-11-03. Review status: criteria provided, single submitter. Criteria: ACMG Guidelines, 2015. Collection method: clinical testing. Allele origin: germline.

OMIM
Classification: Pathogenic for WHITE-SUTTON SYNDROME. Last evaluated: 2022-03-29. Review status: no assertion criteria provided. Collection method: literature only. Allele origin: germline. Not counted in ClinVar's aggregate classification.

GeneReviews
No classification provided. Condition: Intellectual disability-microcephaly-strabismus-behavioral abnormalities syndrome. Review status: no classification provided. Collection method: literature only. Allele origin: germline. Not counted in ClinVar's aggregate classification.
Comment: Recurrent variant

Literature cited by the submitters: PubMed 26942287 (cited by OMIM); PubMed 24896178 (cited by GeneReviews); PubMed 31782611 (cited by GeneReviews).